The following is an entry in ClinVar:

NM_005359.6(SMAD4):c.818C>G (p.Thr273Ser)

Gene: SMAD4 (SMAD family member 4; plus strand). Cytogenetic location: 18q21.2.
Variant type: single nucleotide variant.
Coding change: c.818C>G on transcript NM_005359.6 (MANE Select); coding-DNA position 818, C replaced by G.
Protein change: p.Thr273Ser; replaces threonine 273 with serine.
Molecular consequence: missense variant. On other transcripts: non-coding transcript variant (2).
Genome position (GRCh38, 1-based): chr18:51,058,370, C>G. VCF-style: chr18-51058370-C-G. GRCh37 (hg19) VCF-style: chr18-48584740-C-G.
Other names: c.818C>G, p.Thr273Ser (NM_001407041.1, NM_001407042.1, NM_001407043.1); short protein forms T273S.
Identifiers: ClinVar variation 3637566 (VCV003637566.2).

ClinVar aggregate classification (germline): Uncertain significance (1 of 4 stars; one submission).

Conditions:
Juvenile polyposis syndrome (JPS). Identifiers: Orphanet 2929, MedGen C0345893, MONDO:0017380, OMIM 174900.

gnomAD v4.1: 1 of 1,614,050 alleles (0.000062%); highest among the groups gnomAD compares: Non-Finnish European, 0.000085%; no homozygotes.

Submission:

Labcorp Genetics (formerly Invitae), Labcorp
Classification: Uncertain significance for Juvenile polyposis syndrome. Last evaluated: 2024-06-28. Review status: criteria provided, single submitter. Criteria: Invitae Variant Classification Sherloc (09022015). Collection method: clinical testing. Allele origin: germline.
Comment: This sequence change replaces threonine, which is neutral and polar, with serine, which is neutral and polar, at codon 273 of the SMAD4 protein (p.Thr273Ser). This variant is not present in population databases (gnomAD no frequency). This variant has not been reported in the literature in individuals affected with SMAD4-related conditions. Algorithms developed to predict the effect of missense changes on protein structure and function output the following: SIFT: "Not Available"; PolyPhen-2: "Benign"; Align-GVGD: "Not Available". The serine amino acid residue is found in multiple mammalian species, which suggests that this missense change does not adversely affect protein function. In summary, the available evidence is currently insufficient to determine the role of this variant in disease. Therefore, it has been classified as a Variant of Uncertain Significance.